The following is an entry in ClinVar:

ClinVar aggregate classification (germline): Likely benign. Review status: criteria provided, multiple submitters, no conflicts (2 of 4 stars). 2 submissions from 2 submitters: Likely benign (2). Last evaluated 2023-07-01.

Allele frequency attached by ClinVar (database versions not stated): TOPMed 0.00006; 1000 Genomes Project 30x 0.00016; 1000 Genomes Project 0.00020.
gnomAD v4.1: 115 of 1,614,130 alleles (0.0071%); highest among the groups gnomAD compares: Middle Eastern, 0.016%; no homozygotes.

Submissions (2):

CeGaT Center for Human Genetics Tuebingen
Classification: Likely benign. Last evaluated: 2023-07-01. Review status: criteria provided, single submitter. Criteria: CeGaT Center For Human Genetics Tuebingen Variant Classification Criteria Version 2. Collection method: clinical testing. Allele origin: germline. Affected: yes. Observed: 2 variant alleles.
Comment: KMT2C: BP4

Labcorp Genetics (formerly Invitae), Labcorp
Classification: Likely benign. Last evaluated: 2023-06-20. Review status: criteria provided, single submitter. Criteria: Invitae Variant Classification Sherloc (09022015). Collection method: clinical testing. Allele origin: germline.

NM_170606.3(KMT2C):c.6866G>A (p.Arg2289His)

Gene: KMT2C (lysine methyltransferase 2C; minus strand). Cytogenetic location: 7q36.1.
Variant type: single nucleotide variant.
Coding change: c.6866G>A on transcript NM_170606.3 (MANE Select); coding-DNA position 6866, G replaced by A.
Protein change: p.Arg2289His; replaces arginine 2289 with histidine.
Molecular consequence: missense variant.
Genome position (GRCh38, 1-based): chr7:152,180,994, C>T on the plus strand (G>A on the coding strand, the complement: KMT2C is on the minus strand). VCF-style: chr7-152180994-C-T. GRCh37 (hg19) VCF-style: chr7-151878079-C-T.
Other names: short protein forms R2289H.
Identifiers: ClinVar variation 2579037 (VCV002579037.28), dbSNP rs202108375, ClinGen allele CA4579994.